The following is an entry in ClinVar:

ClinVar aggregate classification (germline): Uncertain significance (1 of 4 stars; one submission).

Submission:

GeneDx
Classification: Uncertain significance. Last evaluated: 2024-08-14. Review status: criteria provided, single submitter. Criteria: GeneDx Variant Classification Process June 2021. Collection method: clinical testing. Allele origin: germline. Affected: yes.
Comment: Not observed at significant frequency in large population cohorts (gnomAD); In silico analysis indicates that this missense variant does not alter protein structure/function; Has not been previously published as pathogenic or benign to our knowledge

NM_001457.4(FLNB):c.890A>C (p.Glu297Ala)

Gene: FLNB (filamin B; plus strand). Cytogenetic location: 3p14.3.
Variant type: single nucleotide variant.
Coding change: c.890A>C on transcript NM_001457.4 (MANE Select); coding-DNA position 890, A replaced by C.
Protein change: p.Glu297Ala; replaces glutamic acid 297 with alanine.
Molecular consequence: missense variant.
Genome position (GRCh38, 1-based): chr3:58,094,938, A>C. VCF-style: chr3-58094938-A-C. GRCh37 (hg19) VCF-style: chr3-58080665-A-C.
Other names: c.890A>C, p.Glu297Ala (NM_001164317.2, NM_001164318.2, NM_001164319.2); short protein forms E297A.
Identifiers: ClinVar variation 3731097 (VCV003731097.1).